The following is an entry in ClinVar:

NM_001267550.2(TTN):c.102221A>G (p.Lys34074Arg)

Genes: TTN (titin; minus strand), TTN-AS1 (TTN antisense RNA 1; plus strand). Cytogenetic location: 2q31.2.
Variant type: single nucleotide variant.
Coding change: c.102221A>G on transcript NM_001267550.2 (MANE Select); coding-DNA position 102221, A replaced by G.
Protein change: p.Lys34074Arg; replaces lysine 34074 with arginine.
Molecular consequence: missense variant.
Genome position (GRCh38, 1-based): chr2:178,534,394, T>C on the plus strand (A>G on the coding strand, the complement: TTN is on the minus strand). VCF-style: chr2-178534394-T-C. GRCh37 (hg19) VCF-style: chr2-179399121-T-C.
Other names: c.97298A>G, p.Lys32433Arg (NM_001256850.1); c.75026A>G, p.Lys25009Arg (NM_003319.4); c.94517A>G, p.Lys31506Arg (NM_133378.4); c.75401A>G, p.Lys25134Arg (NM_133432.3); c.75602A>G, p.Lys25201Arg (NM_133437.4); short protein forms K25009R, K31506R, K34074R, K32433R, K25134R, K25201R.
Identifiers: ClinVar variation 2930463 (VCV002930463.3), dbSNP rs2468533774, ClinGen allele CA349418097.

ClinVar aggregate classification (germline): Uncertain significance (1 of 4 stars; one submission).

Conditions:
Dilated cardiomyopathy 1G (CMD1G). Identifiers: Orphanet 154, MedGen C1858763, MONDO:0011400, OMIM 604145.
Autosomal recessive limb-girdle muscular dystrophy type 2J (LGMDR10). Also called: MUSCULAR DYSTROPHY, LIMB-GIRDLE, AUTOSOMAL RECESSIVE 10; Limb-girdle muscular dystrophy, type 2J. Identifiers: Orphanet 140922, MedGen C1837342, MONDO:0012127, OMIM 608807.

Allele frequency attached by ClinVar (database versions not stated): gnomAD exomes below 0.00001.
gnomAD v4.1: 1 of 1,610,812 alleles (0.000062%); highest among the groups gnomAD compares: African/African-American, 0.0013%; no homozygotes.

Submission:

Labcorp Genetics (formerly Invitae), Labcorp
Classification: Uncertain significance for Dilated cardiomyopathy 1G; Autosomal recessive limb-girdle muscular dystrophy type 2J. Last evaluated: 2025-12-10. Review status: criteria provided, single submitter. Criteria: Invitae Variant Classification Sherloc (09022015). Collection method: clinical testing. Allele origin: germline.
Comment: This sequence change replaces lysine, which is basic and polar, with arginine, which is basic and polar, at codon 34074 of the TTN protein (p.Lys34074Arg). This variant is not present in population databases (gnomAD no frequency). This variant has not been reported in the literature in individuals affected with TTN-related conditions. ClinVar contains an entry for this variant (Variation ID: 2930463). Experimental studies and prediction algorithms are not available or were not evaluated, and the functional significance of this variant is currently unknown. In summary, the available evidence is currently insufficient to determine the role of this variant in disease. Therefore, it has been classified as a Variant of Uncertain Significance.